The following is an entry in ClinVar:

ClinVar aggregate classification (germline): Pathogenic (1 of 4 stars; one submission).

Conditions:
Hereditary cancer-predisposing syndrome. Also called: Neoplastic Syndromes, Hereditary; Tumor predisposition; Hereditary Cancer Syndrome; Hereditary neoplastic syndrome. Identifiers: Orphanet 140162, MedGen C0027672, MeSH D009386, MONDO:0015356.

Submission:

Ambry Genetics
Classification: Pathogenic for Hereditary cancer-predisposing syndrome. Last evaluated: 2025-07-09. Review status: criteria provided, single submitter. Criteria: Ambry Variant Classification Scheme 2023. Collection method: clinical testing. Allele origin: germline.
Comment: The c.32delG pathogenic mutation, located in coding exon 1 of the SUFU gene, results from a deletion of one nucleotide at nucleotide position 32, causing a translational frameshift with a predicted alternate stop codon (p.G11Afs*85). This variant is considered to be rare based on population cohorts in the Genome Aggregation Database (gnomAD). This alteration is expected to result in loss of function by premature protein truncation or nonsense-mediated mRNA decay. As such, this alteration is interpreted as a disease-causing mutation.

NM_016169.4(SUFU):c.32del (p.Gly11fs)

Genes: SUFU (SUFU negative regulator of hedgehog signaling; plus strand), LOC130004614 (ATAC-STARR-seq lymphoblastoid silent region 2764; plus strand). Cytogenetic location: 10q24.32.
Variant type: Deletion.
Coding change: c.32del on transcript NM_016169.4 (MANE Select); coding-DNA position 32, one base deleted (G; older notation c.32delG).
Protein change: p.Gly11fs; shifts the reading frame from glycine 11.
Molecular consequence: frameshift variant.
Genome position (GRCh38, 1-based): chr10:102,504,184, G deleted; the last of 2 consecutive G bases (chr10:102,504,183-102,504,184); deleting either gives the same sequence. VCF-style (leftmost placement, unchanged base first): chr10-102504182-CG-C. GRCh37 (hg19) VCF-style: chr10-104263939-CG-C.
Other names: c.32del, p.Gly11fs (NM_001178133.2); short protein forms G11fs.
Identifiers: ClinVar variation 4177540 (VCV004177540.1).